The following is an entry in ClinVar:

ClinVar aggregate classification (germline): Pathogenic (0 of 4 stars; one submission).

Conditions:
Fanconi anemia complementation group A (FANCA). Also called: Fanconi anemia, group A; FANCA-Related Fanconi Anemia. Identifiers: Orphanet 84, MedGen C3469521, MONDO:0009215, OMIM 227650.

Submission:

Leiden Open Variation Database
Classification: Pathogenic for Fanconi anemia complementation group A. Last evaluated: 2020-02-28. Review status: no assertion criteria provided. Collection method: curation. Allele origin: germline. Affected: yes.
Comment: Curator: Arleen D. Auerbach. Submitter to LOVD: Arleen D. Auerbach.

NC_000016.10:g.(89771815_89773270)_(89783103_89784853)del

Gene: FANCA (FA complementation group A; minus strand). Cytogenetic location: 16q24.3.
Variant type: Deletion.
Identifiers: ClinVar variation 974225 (VCV000974225.1).